The following is an entry in ClinVar:

ClinVar aggregate classification (germline): Likely benign. Review status: criteria provided, single submitter (1 of 4 stars). 3 submissions from 1 submitter: Likely benign (3). Last evaluated 2018-01-13.

Conditions:
Insulin-resistant diabetes mellitus AND acanthosis nigricans. Also called: Insulin-resistance syndrome type A; INSULIN RECEPTOR, DEFECT IN, WITH INSULIN-RESISTANT DIABETES MELLITUS AND ACANTHOSIS NIGRICANS; IRAN, TYPE A; type A insulin resistance; DIABETES MELLITUS, INSULIN-RESISTANT, WITH ACANTHOSIS NIGRICANS, TYPE A. Identifiers: Orphanet 2297, MedGen C0342278, MONDO:0012520, OMIM 610549.
Rabson-Mendenhall syndrome. Also called: MENDENHALL SYNDROME; Pineal Hyperplasia, Insulin-Resistant Diabetes Mellitus, and Somatic Abnormalities; Pineal hyperplasia AND diabetes mellitus syndrome. Identifiers: Orphanet 769, MedGen C0271695, MONDO:0009874, OMIM 262190.
Leprechaunism syndrome. Also called: Donohue syndrome; LEPRECHAUNISM. Identifiers: Orphanet 508, MedGen C0265344, MONDO:0009517, OMIM 246200.

Allele frequency attached by ClinVar (database versions not stated): 1000 Genomes Project 30x 0.00094; 1000 Genomes Project 0.00120; TOPMed 0.00377; gnomAD 0.00391 and 0.00400.

Submissions (3):

Illumina Laboratory Services, Illumina
Classification: Likely benign for Leprechaunism syndrome. Last evaluated: 2018-01-13. Review status: criteria provided, single submitter. Criteria: ICSL Variant Classification Criteria 13 December 2019. Collection method: clinical testing. Allele origin: germline.
Comment: This variant was observed in the ICSL laboratory as part of a predisposition screen in an ostensibly healthy population. It had not been previously curated by ICSL or reported in the Human Gene Mutation Database (HGMD: prior to June 1st, 2018), and was therefore a candidate for classification through an automated scoring system. Utilizing variant allele frequency, disease prevalence and penetrance estimates, and inheritance mode, an automated score was calculated to assess if this variant is too frequent to cause the disease. Based on the score and internal cut-off values, a variant classified as likely benign is not then subjected to further curation. The score for this variant resulted in a classification of likely benign for this disease.

Illumina Laboratory Services, Illumina
Classification: Likely benign for Rabson-Mendenhall syndrome. Last evaluated: 2018-01-13. Review status: criteria provided, single submitter. Criteria: ICSL Variant Classification Criteria 13 December 2019. Collection method: clinical testing. Allele origin: germline.
Comment: the same text as in the submission from Illumina Laboratory Services, Illumina above.

Illumina Laboratory Services, Illumina
Classification: Likely benign for Insulin-resistant diabetes mellitus AND acanthosis nigricans. Last evaluated: 2018-01-13. Review status: criteria provided, single submitter. Criteria: ICSL Variant Classification Criteria 13 December 2019. Collection method: clinical testing. Allele origin: germline.
Comment: the same text as in the submission from Illumina Laboratory Services, Illumina above.

NM_000208.4(INSR):c.*501T>G

Gene: INSR (insulin receptor; minus strand). Cytogenetic location: 19p13.2.
Variant type: single nucleotide variant.
Coding change: c.*501T>G on transcript NM_000208.4 (MANE Select); 501 bases downstream of the stop codon, T replaced by G.
Molecular consequence: 3 prime UTR variant.
Genome position (GRCh38, 1-based): chr19:7,116,555, A>C on the plus strand (T>G on the coding strand, the complement: INSR is on the minus strand). VCF-style: chr19-7116555-A-C. GRCh37 (hg19) VCF-style: chr19-7116566-A-C.
Other names: c.*501T>G (NM_001079817.3).
Identifiers: ClinVar variation 330422 (VCV000330422.5), dbSNP rs562228680, ClinGen allele CA10649227.